The following is an entry in ClinVar:

NM_000179.3(MSH6):c.438G>T (p.Arg146Ser)

Gene: MSH6 (mutS homolog 6; plus strand). Cytogenetic location: 2p16.3.
Variant type: single nucleotide variant.
Coding change: c.438G>T on transcript NM_000179.3 (MANE Select); coding-DNA position 438, G replaced by T.
Protein change: p.Arg146Ser; replaces arginine 146 with serine.
Molecular consequence: missense variant. On other transcripts: 5 prime UTR variant (7), non-coding transcript variant (5), intron variant (6).
Genome position (GRCh38, 1-based): chr2:47,791,104, G>T. VCF-style: chr2-47791104-G-T. GRCh37 (hg19) VCF-style: chr2-48018243-G-T.
Other names: c.-299G>T (NM_001281493.2, NM_001406811.1, NM_001406823.1 and 1 more transcripts); c.-465G>T (NM_001281494.2); c.534G>T, p.Arg178Ser (NM_001406795.1, NM_001406802.1); c.438G>T, p.Arg146Ser (NM_001406796.1, NM_001406798.1, NM_001406800.1 and 6 more transcripts); c.141G>T, p.Arg47Ser (NM_001406797.1, NM_001406801.1, NM_001406805.1 and 10 more transcripts); c.360G>T, p.Arg120Ser (NM_001406804.1); c.-491G>T (NM_001406807.1); c.-557G>T (NM_001406814.1); and 5 more; short protein forms R120S, R146S, R178S, R47S, R90S.
Identifiers: ClinVar variation 4800186 (VCV004800186.1).

ClinVar aggregate classification (germline): Uncertain significance (1 of 4 stars; one submission).

Conditions:
Hereditary nonpolyposis colorectal neoplasms. Identifiers: MedGen C0009405, MeSH D003123.

Submission:

Labcorp Genetics (formerly Invitae), Labcorp
Classification: Uncertain significance for Hereditary nonpolyposis colorectal neoplasms. Last evaluated: 2025-12-01. Review status: criteria provided, single submitter. Criteria: Invitae Variant Classification Sherloc (09022015). Collection method: clinical testing. Allele origin: germline.
Comment: This sequence change replaces arginine, which is basic and polar, with serine, which is neutral and polar, at codon 146 of the MSH6 protein (p.Arg146Ser). This variant is not present in population databases (gnomAD no frequency). This variant has not been reported in the literature in individuals affected with MSH6-related conditions. Invitae Evidence Modeling of protein sequence and biophysical properties (such as structural, functional, and spatial information, amino acid conservation, physicochemical variation, residue mobility, and thermodynamic stability) indicates that this missense variant is not expected to disrupt MSH6 protein function with a negative predictive value of 95%. In summary, the available evidence is currently insufficient to determine the role of this variant in disease. Therefore, it has been classified as a Variant of Uncertain Significance.